The following is an entry in ClinVar:

ClinVar aggregate classification (germline): Uncertain significance (1 of 4 stars; one submission).

Allele frequency attached by ClinVar (database versions not stated): gnomAD exomes below 0.00001; gnomAD 0.00001; TOPMed 0.00001.
gnomAD v4.1: 3 of 1,613,890 alleles (0.00019%); highest among the groups gnomAD compares: African/African-American, 0.004%; no homozygotes.

Submission:

Labcorp Genetics (formerly Invitae), Labcorp
Classification: Uncertain significance. Last evaluated: 2022-10-17. Review status: criteria provided, single submitter. Criteria: Invitae Variant Classification Sherloc (09022015). Collection method: clinical testing. Allele origin: germline.
Comment: This sequence change replaces proline, which is neutral and non-polar, with leucine, which is neutral and non-polar, at codon 2155 of the KMT2A protein (p.Pro2155Leu). This variant is present in population databases (no rsID available, gnomAD 0.008%). This variant has not been reported in the literature in individuals affected with KMT2A-related conditions. Advanced modeling of protein sequence and biophysical properties (such as structural, functional, and spatial information, amino acid conservation, physicochemical variation, residue mobility, and thermodynamic stability) has been performed at Invitae for this missense variant, however the output from this modeling did not meet the statistical confidence thresholds required to predict the impact of this variant on KMT2A protein function. In summary, the available evidence is currently insufficient to determine the role of this variant in disease. Therefore, it has been classified as a Variant of Uncertain Significance.

NM_001197104.2(KMT2A):c.6464C>T (p.Pro2155Leu)

Gene: KMT2A (lysine methyltransferase 2A; plus strand). Cytogenetic location: 11q23.3.
Variant type: single nucleotide variant.
Coding change: c.6464C>T on transcript NM_001197104.2 (MANE Select); coding-DNA position 6464, C replaced by T.
Protein change: p.Pro2155Leu; replaces proline 2155 with leucine.
Molecular consequence: missense variant.
Genome position (GRCh38, 1-based): chr11:118,501,816, C>T. VCF-style: chr11-118501816-C-T. GRCh37 (hg19) VCF-style: chr11-118372531-C-T.
Other names: c.6554C>T, p.Pro2185Leu (NM_001412597.1); c.6455C>T, p.Pro2152Leu (NM_005933.4); short protein forms P2152L, P2185L, P2155L.
Identifiers: ClinVar variation 1982286 (VCV001982286.4), dbSNP rs900114876, ClinGen allele CA229525805.